The following is an entry in ClinVar:

NM_005732.4(RAD50):c.2518G>C (p.Asp840His)

Gene: RAD50 (RAD50 double strand break repair protein; plus strand). Cytogenetic location: 5q31.1.
Variant type: single nucleotide variant.
Coding change: c.2518G>C on transcript NM_005732.4 (MANE Select); coding-DNA position 2518, G replaced by C.
Protein change: p.Asp840His; replaces aspartic acid 840 with histidine.
Molecular consequence: missense variant.
Genome position (GRCh38, 1-based): chr5:132,604,040, G>C. VCF-style: chr5-132604040-G-C. GRCh37 (hg19) VCF-style: chr5-131939732-G-C.
Other names: short protein forms D840H.
Identifiers: ClinVar variation 3942203 (VCV003942203.1).

ClinVar aggregate classification (germline): Uncertain significance (1 of 4 stars; one submission).

Conditions:
Hereditary cancer-predisposing syndrome. Also called: Tumor predisposition; Hereditary neoplastic syndrome; Hereditary Cancer Syndrome; Neoplastic Syndromes, Hereditary. Identifiers: Orphanet 140162, MedGen C0027672, MeSH D009386, MONDO:0015356.

Submission:

Ambry Genetics
Classification: Uncertain significance for Hereditary cancer-predisposing syndrome. Last evaluated: 2025-05-25. Review status: criteria provided, single submitter. Criteria: Ambry Variant Classification Scheme 2023. Collection method: clinical testing. Allele origin: germline.
Comment: The p.D840H variant (also known as c.2518G>C), located in coding exon 15 of the RAD50 gene, results from a G to C substitution at nucleotide position 2518. The aspartic acid at codon 840 is replaced by histidine, an amino acid with similar properties. This amino acid position is conserved. In addition, this alteration is predicted to be deleterious by in silico analysis. Based on the available evidence, the clinical significance of this variant remains unclear.